The following is an entry in ClinVar:

NM_033026.6(PCLO):c.12080C>G (p.Ser4027Ter)

Gene: PCLO (piccolo presynaptic cytomatrix protein; minus strand). Cytogenetic location: 7q21.11.
Variant type: single nucleotide variant.
Coding change: c.12080C>G on transcript NM_033026.6 (MANE Select); coding-DNA position 12080, C replaced by G.
Protein change: p.Ser4027Ter; replaces serine 4027 with a stop codon.
Molecular consequence: nonsense.
Genome position (GRCh38, 1-based): chr7:82,915,906, G>C on the plus strand (C>G on the coding strand, the complement: PCLO is on the minus strand). VCF-style: chr7-82915906-G-C. GRCh37 (hg19) VCF-style: chr7-82545222-G-C.
Other names: c.12080C>G, p.Ser4027Ter (NM_014510.3); short protein forms S4027*.
Identifiers: ClinVar variation 2657646 (VCV002657646.24), dbSNP rs2535552201, ClinGen allele CA367890333.

ClinVar aggregate classification (germline): Uncertain significance (1 of 4 stars; one submission).

Submission:

CeGaT Center for Human Genetics Tuebingen
Classification: Uncertain significance. Last evaluated: 2023-07-01. Review status: criteria provided, single submitter. Criteria: CeGaT Center For Human Genetics Tuebingen Variant Classification Criteria Version 2. Collection method: clinical testing. Allele origin: germline. Affected: yes. Observed: 1 variant allele.
Comment: PCLO: PM2